The following is an entry in ClinVar:

NM_006258.4(PRKG1):c.539T>C (p.Val180Ala)

Gene: PRKG1 (protein kinase cGMP-dependent 1; plus strand). Cytogenetic location: 10q21.1.
Variant type: single nucleotide variant.
Coding change: c.539T>C on transcript NM_006258.4 (MANE Select); coding-DNA position 539, T replaced by C.
Protein change: p.Val180Ala; replaces valine 180 with alanine.
Molecular consequence: missense variant.
Genome position (GRCh38, 1-based): chr10:51,467,783, T>C. VCF-style: chr10-51467783-T-C. GRCh37 (hg19) VCF-style: chr10-53227543-T-C.
Other names: c.494T>C, p.Val165Ala (NM_001098512.3); c.539T>C, p.Val180Ala (NM_001374782.1); c.539T>C (NM_006258.3); short protein forms V165A, V180A.
Identifiers: ClinVar variation 1517436 (VCV001517436.7), dbSNP rs1406292952, ClinGen allele CA376529171.

ClinVar aggregate classification (germline): Uncertain significance. Review status: criteria provided, multiple submitters, no conflicts (2 of 4 stars). 2 submissions from 2 submitters: Uncertain significance (2). Last evaluated 2026-02-24.

Conditions:
Aortic aneurysm, familial thoracic 8 (AAT8). Identifiers: MedGen C3809513, MONDO:0014187, OMIM 615436.
Familial thoracic aortic aneurysm and aortic dissection (TAAD). Also called: Thoracic aortic aneurysms and dissections. Identifiers: Orphanet 91387, MedGen C4707243, MONDO:0019625.

Allele frequency attached by ClinVar (database versions not stated): gnomAD exomes below 0.00001.
gnomAD v4.1: 1 of 1,612,992 alleles (0.000062%); highest among the groups gnomAD compares: Admixed American, 0.0017%; no homozygotes.

Submissions (2):

Ambry Genetics
Classification: Uncertain significance for Familial thoracic aortic aneurysm and aortic dissection. Last evaluated: 2026-02-24. Review status: criteria provided, single submitter. Criteria: Ambry Variant Classification Scheme 2023. Collection method: clinical testing. Allele origin: germline.
Comment: The p.V180A variant (also known as c.539T>C), located in coding exon 3 of the PRKG1 gene, results from a T to C substitution at nucleotide position 539. The valine at codon 180 is replaced by alanine, an amino acid with similar properties. This amino acid position is conserved. In addition, this alteration is predicted to be deleterious by in silico analysis. Based on the available evidence, the clinical significance of this variant remains unclear.

Labcorp Genetics (formerly Invitae), Labcorp
Classification: Uncertain significance for Aortic aneurysm, familial thoracic 8. Last evaluated: 2023-11-28. Review status: criteria provided, single submitter. Criteria: Invitae Variant Classification Sherloc (09022015). Collection method: clinical testing. Allele origin: germline.
Comment: This sequence change replaces valine, which is neutral and non-polar, with alanine, which is neutral and non-polar, at codon 180 of the PRKG1 protein (p.Val180Ala). This variant is present in population databases (no rsID available, gnomAD 0.003%). This variant has not been reported in the literature in individuals affected with PRKG1-related conditions. ClinVar contains an entry for this variant (Variation ID: 1517436). An algorithm developed to predict the effect of missense changes on protein structure and function (PolyPhen-2) suggests that this variant is likely to be tolerated. In summary, the available evidence is currently insufficient to determine the role of this variant in disease. Therefore, it has been classified as a Variant of Uncertain Significance.